The following is an entry in ClinVar:

ClinVar aggregate classification (germline): Uncertain significance (1 of 4 stars; one submission).

Submission:

GeneDx
Classification: Uncertain significance. Last evaluated: 2023-09-20. Review status: criteria provided, single submitter. Criteria: GeneDx Variant Classification Process June 2021. Collection method: clinical testing. Allele origin: germline. Affected: yes.
Comment: Not observed at significant frequency in large population cohorts (gnomAD); In silico analysis supports that this missense variant does not alter protein structure/function; Has not been previously published as pathogenic or benign to our knowledge; Variants in candidate genes are classified as variants of uncertain significance in accordance with ACMG guidelines (Richards et al., 2015)

NM_003458.4(BSN):c.8857C>T (p.His2953Tyr)

Gene: BSN (bassoon presynaptic cytomatrix protein; plus strand). Cytogenetic location: 3p21.31.
Variant type: single nucleotide variant.
Coding change: c.8857C>T on transcript NM_003458.4 (MANE Select); coding-DNA position 8857, C replaced by T.
Protein change: p.His2953Tyr; replaces histidine 2953 with tyrosine.
Molecular consequence: missense variant.
Genome position (GRCh38, 1-based): chr3:49,660,702, C>T. VCF-style: chr3-49660702-C-T. GRCh37 (hg19) VCF-style: chr3-49698135-C-T.
Other names: short protein forms H2953Y.
Identifiers: ClinVar variation 3900306 (VCV003900306.1).